The following is an entry in ClinVar:

ClinVar aggregate classification (germline): Conflicting classifications of pathogenicity. Review status: criteria provided, conflicting classifications (1 of 4 stars). 5 submissions from 5 submitters: Uncertain significance (1); Likely benign (3). 1 of the submissions does not count toward it. Last evaluated 2026-01-30.

Conditions:
Hereditary hemochromatosis (HFE). Identifiers: MedGen C0392514, MONDO:0006507. Disease mechanism: loss of function.
TFR2-related disorder. Also called: TFR2-related condition.
Hemochromatosis type 3 (HFE3). Also called: Hereditary hemochromatosis type 3; TFR2-Related Hemochromatosis; HEMOCHROMATOSIS DUE TO DEFECT IN TRANSFERRIN RECEPTOR 2. Identifiers: Orphanet 225123, MedGen C1858664, MONDO:0011417, OMIM 604250.

Allele frequency attached by ClinVar (database versions not stated): gnomAD 0.00009 and 0.00014; TOPMed 0.00009; ESP Exome Variant Server 0.00015; gnomAD exomes 0.00023 and 0.00024; ExAC 0.00029; 1000 Genomes Project 30x 0.00031; 1000 Genomes Project 0.00040.
gnomAD v4.1: 347 of 1,614,102 alleles (0.021%); highest among the groups gnomAD compares: South Asian, 0.11%; 1 homozygote.

Submissions (5):

PreventionGenetics, part of Exact Sciences
Classification: Likely benign for TFR2-related condition. Last evaluated: 2026-01-30. Review status: criteria provided, single submitter. Criteria: ACMG Guidelines, 2015. Collection method: clinical testing. Allele origin: germline.
Comment: This variant is classified as likely benign based on ACMG/AMP sequence variant interpretation guidelines (Richards et al. 2015 PMID: 25741868, with internal and published modifications).

Labcorp Genetics (formerly Invitae), Labcorp
Classification: Likely benign for Hereditary hemochromatosis. Last evaluated: 2025-11-08. Review status: criteria provided, single submitter. Criteria: Invitae Variant Classification Sherloc (09022015). Collection method: clinical testing. Allele origin: germline.

Blueprint Genetics
Classification: Likely benign. Last evaluated: 2024-04-19. Review status: criteria provided, single submitter. Criteria: ACMG Guidelines, 2015. Collection method: clinical testing. Allele origin: germline.

Illumina Laboratory Services, Illumina
Classification: Uncertain significance for Hemochromatosis type 3. Last evaluated: 2018-01-13. Review status: criteria provided, single submitter. Criteria: ICSL Variant Classification Criteria 13 December 2019. Collection method: clinical testing. Allele origin: germline.

Natera, Inc.
Classification: Benign for Hereditary hemochromatosis type 3. Last evaluated: 2019-11-11. Review status: no assertion criteria provided. Collection method: clinical testing. Allele origin: germline. Not counted in ClinVar's aggregate classification.

NM_003227.4(TFR2):c.2367G>A (p.Ala789=)

Gene: TFR2 (transferrin receptor 2; minus strand). Cytogenetic location: 7q22.1.
Variant type: single nucleotide variant.
Coding change: c.2367G>A on transcript NM_003227.4 (MANE Select); coding-DNA position 2367, G replaced by A.
Protein change: p.Ala789=; no amino-acid change (alanine 789 retained).
Molecular consequence: synonymous variant.
Genome position (GRCh38, 1-based): chr7:100,620,896, C>T on the plus strand (G>A on the coding strand, the complement: TFR2 is on the minus strand). VCF-style: chr7-100620896-C-T. GRCh37 (hg19) VCF-style: chr7-100218519-C-T.
Other names: c.1854G>A, p.Ala618= (NM_001206855.3).
Identifiers: ClinVar variation 358283 (VCV000358283.21), dbSNP rs374766778, ClinGen allele CA4386143.
Genomic context (GRCh38, chr7:100,620,896, plus strand): 5'-GATGTGAGGATCCCCAGGGCCTCAGAAGTTGTTATCAATGTTCCAGACATCCCCGCTAAG[C>T]GCATTGGCTGCCCCTTGCAGCGTCCAGGTGAGCAGGGCTAGCTGACGCCGGAAACGGCTC-3'
Protein context (NP_003218.2, residues 779-799): LTWTLQGAAN[Ala789=]LSGDVWNIDN